The following is an entry in ClinVar:

ClinVar aggregate classification (germline): Pathogenic/Likely pathogenic. Review status: criteria provided, multiple submitters, no conflicts (2 of 4 stars). 2 submissions from 2 submitters: Pathogenic (1); Likely pathogenic (1). Last evaluated 2023-12-29.

Submissions (2):

Revvity Omics, Revvity
Classification: Likely pathogenic. Last evaluated: 2023-12-29. Review status: criteria provided, single submitter. Criteria: ACMG Guidelines, 2015. Collection method: clinical testing. Allele origin: germline.

Labcorp Genetics (formerly Invitae), Labcorp
Classification: Pathogenic. Last evaluated: 2021-10-09. Review status: criteria provided, single submitter. Criteria: Invitae Variant Classification Sherloc (09022015). Collection method: clinical testing. Allele origin: germline.
Comment: For these reasons, this variant has been classified as Pathogenic. Algorithms developed to predict the effect of sequence changes on RNA splicing suggest that this variant may create or strengthen a splice site. This variant has not been reported in the literature in individuals affected with SPTB-related conditions. This variant is not present in population databases (ExAC no frequency). This sequence change creates a premature translational stop signal (p.Gln417*) in the SPTB gene. It is expected to result in an absent or disrupted protein product. Loss-of-function variants in SPTB are known to be pathogenic (PMID: 8844207, 26830532, 27292444).

Literature cited by the submitters: PubMed 8844207 (cited by Labcorp Genetics (formerly Invitae), Labcorp); PubMed 26830532 (cited by Labcorp Genetics (formerly Invitae), Labcorp); PubMed 27292444 (cited by Labcorp Genetics (formerly Invitae), Labcorp).

NM_001355436.2(SPTB):c.1249C>T (p.Gln417Ter)

Gene: SPTB (spectrin beta, erythrocytic; minus strand). Cytogenetic location: 14q23.3.
Variant type: single nucleotide variant.
Coding change: c.1249C>T on transcript NM_001355436.2 (MANE Select); coding-DNA position 1249, C replaced by T.
Protein change: p.Gln417Ter; replaces glutamine 417 with a stop codon.
Molecular consequence: nonsense.
Genome position (GRCh38, 1-based): chr14:64,796,649, G>A on the plus strand (C>T on the coding strand, the complement: SPTB is on the minus strand). VCF-style: chr14-64796649-G-A. GRCh37 (hg19) VCF-style: chr14-65263367-G-A.
Other names: c.1249C>T, p.Gln417Ter (NM_001024858.4, NM_001355437.2); short protein forms Q417*.
Identifiers: ClinVar variation 1325128 (VCV001325128.9), dbSNP rs2139606980, ClinGen allele CA390025066.